The following is an entry in ClinVar:

NM_002860.4(ALDH18A1):c.933+173G>C

Gene: ALDH18A1 (aldehyde dehydrogenase 18 family member A1; minus strand). Cytogenetic location: 10q24.1.
Variant type: single nucleotide variant.
Coding change: c.933+173G>C on transcript NM_002860.4 (MANE Select); 173 bases into the intron after coding-DNA position 933, G replaced by C.
Molecular consequence: intron variant.
Genome position (GRCh38, 1-based): chr10:95,628,195, C>G on the plus strand (G>C on the coding strand, the complement: ALDH18A1 is on the minus strand). VCF-style: chr10-95628195-C-G. GRCh37 (hg19) VCF-style: chr10-97387952-C-G.
Other names: c.297+173G>C (NM_001323419.2); c.600+173G>C (NM_001323412.2, NM_001323416.2); c.828+173G>C (NM_001323417.2); c.927+173G>C (NM_001017423.2, NM_001323415.2); c.594+173G>C (NM_001323418.2); c.933+173G>C (NM_001323413.2, NM_001323414.2).
Identifiers: ClinVar variation 678535 (VCV000678535.1), dbSNP rs12414904, ClinGen allele CA15668080.

ClinVar aggregate classification (germline): Benign (1 of 4 stars; one submission).

Allele frequency attached by ClinVar (database versions not stated): TOPMed 0.12463; gnomAD 0.12593 and 0.13197; 1000 Genomes Project 30x 0.17052; 1000 Genomes Project 0.17812.
gnomAD v4.1: 20,057 of 152,220 alleles (13%); highest among the groups gnomAD compares: East Asian, 49%; 1,935 homozygotes.

Submission:

GeneDx
Classification: Benign. Last evaluated: 2018-06-14. Review status: criteria provided, single submitter. Criteria: GeneDx Variant Classification (06012015). Collection method: clinical testing. Allele origin: germline. Affected: yes.
Comment: This variant is considered likely benign or benign based on one or more of the following criteria: it is a conservative change, it occurs at a poorly conserved position in the protein, it is predicted to be benign by multiple in silico algorithms, and/or has population frequency not consistent with disease.